The following is an entry in ClinVar:

ClinVar aggregate classification (germline): Likely pathogenic (1 of 4 stars; one submission).

Conditions:
Short-rib thoracic dysplasia 14 with polydactyly (SRTD14). Identifiers: Orphanet 397715, MedGen C4225286, MONDO:0014688, OMIM 616546.
Joubert syndrome 23 (JBTS23). Identifiers: Orphanet 475, MedGen C4084822, MONDO:0014664, OMIM 616490.

gnomAD v4.1: 1 of 1,549,460 alleles (0.000065%); highest among the groups gnomAD compares: African/African-American, 0.0014%; no homozygotes.

Submission:

Labcorp Genetics (formerly Invitae), Labcorp
Classification: Likely pathogenic for Joubert syndrome 23; Short-rib thoracic dysplasia 14 with polydactyly. Last evaluated: 2024-04-07. Review status: criteria provided, single submitter. Criteria: Invitae Variant Classification Sherloc (09022015). Collection method: clinical testing. Allele origin: germline.
Comment: This sequence change affects a donor splice site in intron 16 of the KIAA0586 gene. It is expected to disrupt RNA splicing. Variants that disrupt the donor or acceptor splice site typically lead to a loss of protein function (PMID: 16199547), and loss-of-function variants in KIAA0586 are known to be pathogenic (PMID: 26096313, 26166481, 26386044). The frequency data for this variant in the population databases is considered unreliable, as metrics indicate poor data quality at this position in the gnomAD database. This variant has not been reported in the literature in individuals affected with KIAA0586-related conditions. Algorithms developed to predict the effect of sequence changes on RNA splicing suggest that this variant may disrupt the consensus splice site. In summary, the currently available evidence indicates that the variant is pathogenic, but additional data are needed to prove that conclusively. Therefore, this variant has been classified as Likely Pathogenic.

Literature cited by the submitters: PubMed 16199547; PubMed 26096313; PubMed 26166481; PubMed 26386044.

NM_001329943.3(KIAA0586):c.2059+1G>C

Gene: KIAA0586 (KIAA0586; plus strand). Cytogenetic location: 14q23.1.
Variant type: single nucleotide variant.
Coding change: c.2059+1G>C on transcript NM_001329943.3 (MANE Select); the canonical splice donor site of the intron after coding-DNA position 2059, G replaced by C.
Molecular consequence: splice donor variant.
Genome position (GRCh38, 1-based): chr14:58,461,161, G>C. VCF-style: chr14-58461161-G-C. GRCh37 (hg19) VCF-style: chr14-58927879-G-C.
Other names: c.2218+1G>C (NM_001244189.2); c.2014+1G>C (NM_001244190.2); c.1927+1G>C (NM_001244192.2); c.1804+1G>C (NM_001244191.2, NM_001364701.2, NM_001329945.2 and 1 more transcripts); c.2059+1G>C (NM_001329944.2, NM_001329946.2, NM_001329947.2); c.1831+1G>C (NM_014749.5); c.1639+1G>C (NM_001244193.2).
Identifiers: ClinVar variation 3752299 (VCV003752299.2).